The following is an entry in ClinVar:

ClinVar aggregate classification (germline): Uncertain significance (1 of 4 stars; one submission).

Submission:

GeneDx
Classification: Uncertain significance. Last evaluated: 2022-05-16. Review status: criteria provided, single submitter. Criteria: GeneDx Variant Classification Process June 2021. Collection method: clinical testing. Allele origin: germline. Affected: yes.
Comment: Not observed at significant frequency in large population cohorts (gnomAD); In silico analysis supports that this missense variant has a deleterious effect on protein structure/function; Has not been previously published as pathogenic or benign to our knowledge

NM_001127644.2(GABRA1):c.482C>A (p.Thr161Lys)

Gene: GABRA1 (gamma-aminobutyric acid type A receptor subunit alpha1; plus strand). Cytogenetic location: 5q34.
Variant type: single nucleotide variant.
Coding change: c.482C>A on transcript NM_001127644.2 (MANE Select); coding-DNA position 482, C replaced by A.
Protein change: p.Thr161Lys; replaces threonine 161 with lysine.
Molecular consequence: missense variant.
Genome position (GRCh38, 1-based): chr5:161,875,565, C>A. VCF-style: chr5-161875565-C-A. GRCh37 (hg19) VCF-style: chr5-161302571-C-A.
Other names: c.482C>A, p.Thr161Lys (NM_000806.5, NM_001127643.2, NM_001127645.2 and 1 more transcripts); short protein forms T161K.
Identifiers: ClinVar variation 1800721 (VCV001800721.1), dbSNP rs2532244431, ClinGen allele CA362179190.